The following is an entry in ClinVar:

ClinVar aggregate classification (germline): Uncertain significance. Review status: criteria provided, multiple submitters, no conflicts (2 of 4 stars). 2 submissions from 2 submitters: Uncertain significance (2). Last evaluated 2025-10-14.

Conditions:
Inborn genetic diseases. Identifiers: MedGen C0950123, MeSH D030342.

Allele frequency attached by ClinVar (database versions not stated): TOPMed below 0.00001.
gnomAD v4.1: 3 of 1,612,488 alleles (0.00019%); highest among the groups gnomAD compares: Admixed American, 0.0033%; no homozygotes.

Submissions (2):

Ambry Genetics
Classification: Uncertain significance for Inborn genetic diseases. Last evaluated: 2025-10-14. Review status: criteria provided, single submitter. Criteria: Ambry Variant Classification Scheme 2023. Collection method: clinical testing. Allele origin: germline.
Comment: The p.E884K variant (also known as c.2650G>A), located in coding exon 1 of the SAMD9L gene, results from a G to A substitution at nucleotide position 2650. The glutamic acid at codon 884 is replaced by lysine, an amino acid with similar properties. This amino acid position is conserved. In addition, this alteration is predicted to be tolerated by in silico analysis. Based on the available evidence, the clinical significance of this variant remains unclear.

Labcorp Genetics (formerly Invitae), Labcorp
Classification: Uncertain significance. Last evaluated: 2022-08-06. Review status: criteria provided, single submitter. Criteria: Invitae Variant Classification Sherloc (09022015). Collection method: clinical testing. Allele origin: germline.
Comment: This variant is present in population databases (no rsID available, gnomAD 0.006%). This sequence change replaces glutamic acid, which is acidic and polar, with lysine, which is basic and polar, at codon 884 of the SAMD9L protein (p.Glu884Lys). This variant has not been reported in the literature in individuals affected with SAMD9L-related conditions. In summary, the available evidence is currently insufficient to determine the role of this variant in disease. Therefore, it has been classified as a Variant of Uncertain Significance. Algorithms developed to predict the effect of missense changes on protein structure and function output the following: SIFT: "Not Available"; PolyPhen-2: "Benign"; Align-GVGD: "Not Available". The lysine amino acid residue is found in multiple mammalian species, which suggests that this missense change does not adversely affect protein function.

NM_152703.5(SAMD9L):c.2650G>A (p.Glu884Lys)

Gene: SAMD9L (sterile alpha motif domain containing 9 like; minus strand). Cytogenetic location: 7q21.2.
Variant type: single nucleotide variant.
Coding change: c.2650G>A on transcript NM_152703.5 (MANE Select); coding-DNA position 2650, G replaced by A.
Protein change: p.Glu884Lys; replaces glutamic acid 884 with lysine.
Molecular consequence: missense variant.
Genome position (GRCh38, 1-based): chr7:93,133,322, C>T on the plus strand (G>A on the coding strand, the complement: SAMD9L is on the minus strand). VCF-style: chr7-93133322-C-T. GRCh37 (hg19) VCF-style: chr7-92762635-C-T.
Other names: c.2650G>A, p.Glu884Lys (NM_001303500.3, NM_001350082.2, NM_001303496.3 and 5 more transcripts); c.2650G>A (NM_152703.2); short protein forms E884K.
Identifiers: ClinVar variation 1715125 (VCV001715125.6), dbSNP rs941311343, ClinGen allele CA161960138.